The following is an entry in ClinVar:

NM_015570.4(AUTS2):c.1692T>G (p.Phe564Leu)

Gene: AUTS2 (activator of transcription and developmental regulator AUTS2; plus strand). Cytogenetic location: 7q11.22.
Variant type: single nucleotide variant.
Coding change: c.1692T>G on transcript NM_015570.4 (MANE Select); coding-DNA position 1692, T replaced by G.
Protein change: p.Phe564Leu; replaces phenylalanine 564 with leucine.
Molecular consequence: missense variant.
Genome position (GRCh38, 1-based): chr7:70,768,026, T>G. VCF-style: chr7-70768026-T-G. GRCh37 (hg19) VCF-style: chr7-70233012-T-G.
Other names: c.1692T>G, p.Phe564Leu (NM_001127231.3); short protein forms F564L.
Identifiers: ClinVar variation 5039847 (VCV005039847.1).
Genomic context (GRCh38, chr7:70,768,026, plus strand): 5'-GTAGCAGTGAACAAAAATGCAGATTAAGTAACTAGCTTTTGCTTTGATCCCTTTACAGTT[T>G]GACAAATACCCTACAAAAGTTGACCCATTCTACCGGCACAGTGTGAGTTTCATTACCATG-3'
Protein context (NP_056385.1, residues 554-574): AIMPTPAPPM[Phe564Leu]DKYPTKVDPF

ClinVar aggregate classification (germline): Likely benign (1 of 4 stars; one submission).

gnomAD v4.1: 6 of 1,611,042 alleles (0.00037%); highest among the groups gnomAD compares: Non-Finnish European, 0.00051%; no homozygotes.

Submission:

CeGaT Center for Human Genetics Tuebingen
Classification: Likely benign. Last evaluated: 2026-07-01. Review status: criteria provided, single submitter. Criteria: CeGaT Center For Human Genetics Tuebingen Variant Classification Criteria Version 2. Collection method: clinical testing. Allele origin: germline. Affected: yes. Observed: 1 variant allele.
Comment: AUTS2: PP2, BS2